The following is an entry in ClinVar:

ClinVar aggregate classification (germline): Uncertain significance (1 of 4 stars; one submission).

gnomAD v4.1: 11 of 1,614,200 alleles (0.00068%); highest among the groups gnomAD compares: African/African-American, 0.004%; no homozygotes.

Submission:

Labcorp Genetics (formerly Invitae), Labcorp
Classification: Uncertain significance. Last evaluated: 2025-01-06. Review status: criteria provided, single submitter. Criteria: Invitae Variant Classification Sherloc (09022015). Collection method: clinical testing. Allele origin: germline.
Comment: This sequence change replaces alanine, which is neutral and non-polar, with threonine, which is neutral and polar, at codon 1607 of the MCM3AP protein (p.Ala1607Thr). This variant is present in population databases (rs190933622, gnomAD 0.007%). This variant has not been reported in the literature in individuals affected with MCM3AP-related conditions. An algorithm developed to predict the effect of missense changes on protein structure and function outputs the following: PolyPhen-2: "Benign". The threonine amino acid residue is found in multiple mammalian species, which suggests that this missense change does not adversely affect protein function. In summary, the available evidence is currently insufficient to determine the role of this variant in disease. Therefore, it has been classified as a Variant of Uncertain Significance.

NM_003906.5(MCM3AP):c.4819G>A (p.Ala1607Thr)

Genes: MCM3AP (minichromosome maintenance complex component 3 associated protein; minus strand), MCM3AP-AS1 (MCM3AP antisense RNA 1; plus strand). Cytogenetic location: 21q22.3.
Variant type: single nucleotide variant.
Coding change: c.4819G>A on transcript NM_003906.5 (MANE Select); coding-DNA position 4819, G replaced by A.
Protein change: p.Ala1607Thr; replaces alanine 1607 with threonine.
Molecular consequence: missense variant.
Genome position (GRCh38, 1-based): chr21:46,245,026, C>T on the plus strand (G>A on the coding strand, the complement: MCM3AP is on the minus strand). VCF-style: chr21-46245026-C-T. GRCh37 (hg19) VCF-style: chr21-47664940-C-T.
Other names: short protein forms A1607T.
Identifiers: ClinVar variation 3619460 (VCV003619460.2).